The following is an entry in ClinVar:

ClinVar aggregate classification (germline): Likely benign (0 of 4 stars; one submission).

Conditions:
FSIP2-related disorder. Also called: FSIP2-related condition.

Allele frequency attached by ClinVar (database versions not stated): ExAC 0.00007.
gnomAD v4.1: 38 of 1,534,098 alleles (0.0025%); highest among the groups gnomAD compares: Non-Finnish European, 0.0031%; no homozygotes.

Submission:

PreventionGenetics, part of Exact Sciences
Classification: Likely benign for FSIP2-related condition. Last evaluated: 2019-04-26. Review status: no assertion criteria provided. Collection method: clinical testing. Allele origin: germline.
Comment: This variant is classified as likely benign based on ACMG/AMP sequence variant interpretation guidelines (Richards et al. 2015 PMID: 25741868, with internal and published modifications).

NM_173651.4(FSIP2):c.8985G>T (p.Thr2995=)

Genes: FSIP2 (fibrous sheath interacting protein 2; plus strand), FSIP2-AS1 (FSIP2 antisense RNA 1; minus strand). Cytogenetic location: 2q32.1.
Variant type: single nucleotide variant.
Coding change: c.8985G>T on transcript NM_173651.4 (MANE Select); coding-DNA position 8985, G replaced by T.
Protein change: p.Thr2995=; no amino-acid change (threonine 2995 retained).
Molecular consequence: synonymous variant.
Genome position (GRCh38, 1-based): chr2:185,796,121, G>T. VCF-style: chr2-185796121-G-T. GRCh37 (hg19) VCF-style: chr2-186660848-G-T.
Identifiers: ClinVar variation 3058814 (VCV003058814.2), dbSNP rs778359211, ClinGen allele CA2016844.